The following is an entry in ClinVar:

ClinVar aggregate classification (germline): Uncertain significance (1 of 4 stars; one submission).

Conditions:
Hypertrophic cardiomyopathy 14. Identifiers: MedGen C2750467, MONDO:0013197, OMIM 613251.

Submission:

Labcorp Genetics (formerly Invitae), Labcorp
Classification: Uncertain significance for Hypertrophic cardiomyopathy 14. Last evaluated: 2022-03-10. Review status: criteria provided, single submitter. Criteria: Invitae Variant Classification Sherloc (09022015). Collection method: clinical testing. Allele origin: germline.
Comment: In summary, the available evidence is currently insufficient to determine the role of this variant in disease. Therefore, it has been classified as a Variant of Uncertain Significance. This sequence change replaces alanine, which is neutral and non-polar, with threonine, which is neutral and polar, at codon 903 of the MYH6 protein (p.Ala903Thr). This variant is not present in population databases (gnomAD no frequency). This variant has not been reported in the literature in individuals affected with MYH6-related conditions. Algorithms developed to predict the effect of missense changes on protein structure and function are either unavailable or do not agree on the potential impact of this missense change (SIFT: "Tolerated"; PolyPhen-2: "Possibly Damaging"; Align-GVGD: "Class C0").

NM_002471.4(MYH6):c.2707G>A (p.Ala903Thr)

Gene: MYH6 (myosin heavy chain 6; minus strand). Cytogenetic location: 14q11.2.
Variant type: single nucleotide variant.
Coding change: c.2707G>A on transcript NM_002471.4 (MANE Select); coding-DNA position 2707, G replaced by A.
Protein change: p.Ala903Thr; replaces alanine 903 with threonine.
Molecular consequence: missense variant.
Genome position (GRCh38, 1-based): chr14:23,393,887, C>T on the plus strand (G>A on the coding strand, the complement: MYH6 is on the minus strand). VCF-style: chr14-23393887-C-T. GRCh37 (hg19) VCF-style: chr14-23863096-C-T.
Other names: short protein forms A903T.
Identifiers: ClinVar variation 2102833 (VCV002102833.4), dbSNP rs2502170914, ClinGen allele CA389013358.
Genomic context (GRCh38, chr14:23,393,887, plus strand): 5'-CCTTTACTTTGGCCTCCAGCTGAATCTTGTTTTTGATCAGCTGGTCGCAGCGCTCCTCAG[C>T]ATCATTGAGGTTGTCTTGTTCCTGGGAGAAGAGAACAGGGAGGAAGCTGATGGTTAAAGA-3'
Protein context (NP_002462.2, residues 893-913): VQAEQDNLND[Ala903Thr]EERCDQLIKN